The following is an entry in ClinVar:

NM_005554.4(KRT6A):c.1046G>A (p.Arg349Gln)

Gene: KRT6A (keratin 6A; minus strand). Cytogenetic location: 12q13.13.
Variant type: single nucleotide variant.
Coding change: c.1046G>A on transcript NM_005554.4 (MANE Select); coding-DNA position 1046, G replaced by A.
Protein change: p.Arg349Gln; replaces arginine 349 with glutamine.
Molecular consequence: missense variant.
Genome position (GRCh38, 1-based): chr12:52,490,600, C>T on the plus strand (G>A on the coding strand, the complement: KRT6A is on the minus strand). VCF-style: chr12-52490600-C-T. GRCh37 (hg19) VCF-style: chr12-52884384-C-T.
Other names: short protein forms R349Q.
Identifiers: ClinVar variation 3631431 (VCV003631431.2).

ClinVar aggregate classification (germline): Uncertain significance (1 of 4 stars; one submission).

Submission:

Labcorp Genetics (formerly Invitae), Labcorp
Classification: Uncertain significance. Last evaluated: 2024-02-20. Review status: criteria provided, single submitter. Criteria: Invitae Variant Classification Sherloc (09022015). Collection method: clinical testing. Allele origin: germline.
Comment: This sequence change replaces arginine, which is basic and polar, with glutamine, which is neutral and polar, at codon 349 of the KRT6A protein (p.Arg349Gln). This variant is present in population databases (rs780171825, gnomAD 0.02%). This variant has not been reported in the literature in individuals affected with KRT6A-related conditions. Advanced modeling of protein sequence and biophysical properties (such as structural, functional, and spatial information, amino acid conservation, physicochemical variation, residue mobility, and thermodynamic stability) performed at Invitae indicates that this missense variant is not expected to disrupt KRT6A protein function with a negative predictive value of 80%. In summary, the available evidence is currently insufficient to determine the role of this variant in disease. Therefore, it has been classified as a Variant of Uncertain Significance.